The following is an entry in ClinVar:

ClinVar aggregate classification (germline): Uncertain significance (1 of 4 stars; one submission).

Conditions:
Hyperkalemic periodic paralysis. Also called: Familial hyperkalemic periodic paralysis; Gamstorp disease. Identifiers: Orphanet 682, MedGen C0238357, MONDO:0008224, OMIM 170500, HP:0007215.

Allele frequency attached by ClinVar (database versions not stated): gnomAD exomes below 0.00001.
gnomAD v4.1: 1 of 1,604,464 alleles (0.000062%); highest among the groups gnomAD compares: Non-Finnish European, 0.000085%; no homozygotes.

Submission:

Labcorp Genetics (formerly Invitae), Labcorp
Classification: Uncertain significance for Hyperkalemic periodic paralysis. Last evaluated: 2024-12-16. Review status: criteria provided, single submitter. Criteria: Invitae Variant Classification Sherloc (09022015). Collection method: clinical testing. Allele origin: germline.
Comment: This sequence change replaces glutamic acid, which is acidic and polar, with lysine, which is basic and polar, at codon 982 of the SCN4A protein (p.Glu982Lys). This variant is not present in population databases (gnomAD no frequency). This variant has not been reported in the literature in individuals affected with SCN4A-related conditions. ClinVar contains an entry for this variant (Variation ID: 2130711). Invitae Evidence Modeling of protein sequence and biophysical properties (such as structural, functional, and spatial information, amino acid conservation, physicochemical variation, residue mobility, and thermodynamic stability) indicates that this missense variant is not expected to disrupt SCN4A protein function with a negative predictive value of 95%. In summary, the available evidence is currently insufficient to determine the role of this variant in disease. Therefore, it has been classified as a Variant of Uncertain Significance.

NM_000334.4(SCN4A):c.2944G>A (p.Glu982Lys)

Genes: GH-LCR (growth hormone locus control region; plus strand), SCN4A (sodium voltage-gated channel alpha subunit 4; minus strand). Cytogenetic location: 17q23.3.
Variant type: single nucleotide variant.
Coding change: c.2944G>A on transcript NM_000334.4 (MANE Select); coding-DNA position 2944, G replaced by A.
Protein change: p.Glu982Lys; replaces glutamic acid 982 with lysine.
Molecular consequence: missense variant.
Genome position (GRCh38, 1-based): chr17:63,949,438, C>T on the plus strand (G>A on the coding strand, the complement: SCN4A is on the minus strand). VCF-style: chr17-63949438-C-T. GRCh37 (hg19) VCF-style: chr17-62026798-C-T.
Other names: short protein forms E982K.
Identifiers: ClinVar variation 2130711 (VCV002130711.4), dbSNP rs1555601993, ClinGen allele CA400622267.